The following is an entry in ClinVar:

ClinVar aggregate classification (germline): Likely pathogenic (1 of 4 stars; one submission).

Submission:

GeneDx
Classification: Likely pathogenic. Last evaluated: 2024-03-23. Review status: criteria provided, single submitter. Criteria: GeneDx Variant Classification Process June 2021. Collection method: clinical testing. Allele origin: germline. Affected: yes.
Comment: Frameshift variant predicted to result in protein truncation or nonsense mediated decay in a gene for which loss of function is a known mechanism of disease; Not observed at significant frequency in large population cohorts (gnomAD); Has not been previously published as pathogenic or benign to our knowledge

NM_001377142.1(PLCB4):c.21del (p.Phe7fs)

Gene: PLCB4 (phospholipase C beta 4; plus strand). Cytogenetic location: 20p12.2.
Variant type: Deletion.
Coding change: c.21del on transcript NM_001377142.1 (MANE Select); coding-DNA position 21, one base deleted (T; older notation c.21delT).
Protein change: p.Phe7fs; shifts the reading frame from phenylalanine 7.
Molecular consequence: frameshift variant.
Genome position (GRCh38, 1-based): chr20:9,307,835, T deleted; the last of 3 consecutive T bases (chr20:9,307,833-9,307,835); deleting any one gives the same sequence. VCF-style (leftmost placement, unchanged base first): chr20-9307832-AT-A. GRCh37 (hg19) VCF-style: chr20-9288479-AT-A.
Other names: c.21del, p.Phe7fs (NM_000933.4, NM_001172646.2, NM_001377134.2 and 4 more transcripts); short protein forms F7fs.
Identifiers: ClinVar variation 3342734 (VCV003342734.1).